The following is an entry in ClinVar:

ClinVar aggregate classification (germline): Pathogenic (1 of 4 stars; one submission).

Submission:

Labcorp Genetics (formerly Invitae), Labcorp
Classification: Pathogenic. Last evaluated: 2023-05-15. Review status: criteria provided, single submitter. Criteria: Invitae Variant Classification Sherloc (09022015). Collection method: clinical testing. Allele origin: germline.
Comment: For these reasons, this variant has been classified as Pathogenic. Experimental studies and prediction algorithms are not available or were not evaluated, and the functional significance of this variant is currently unknown. This variant has not been reported in the literature in individuals affected with CTNNA1-related conditions. This variant is a gross deletion of the genomic region encompassing exon(s) 10-11 of the CTNNA1 gene. This deletion is out-of-frame, and is expected to create a premature termination codon and result in an absent or disrupted protein product. Loss-of-function variants in CTNNA1 are known to be pathogenic (PMID: 32051609, 34425242).

Literature cited by the submitters: PubMed 32051609; PubMed 34425242.

NC_000005.9:g.(?_138240028)_(138253597_?)del

Gene: CTNNA1 (catenin alpha 1; plus strand). Cytogenetic location: 5q31.2.
Variant type: Deletion.
Identifiers: ClinVar variation 2424302 (VCV002424302.4).